The following is an entry in ClinVar:

NM_006231.4(POLE):c.5949G>T (p.Leu1983Phe)

Gene: POLE (DNA polymerase epsilon, catalytic subunit; minus strand). Cytogenetic location: 12q24.33.
Variant type: single nucleotide variant.
Coding change: c.5949G>T on transcript NM_006231.4 (MANE Select); coding-DNA position 5949, G replaced by T.
Protein change: p.Leu1983Phe; replaces leucine 1983 with phenylalanine.
Molecular consequence: missense variant.
Genome position (GRCh38, 1-based): chr12:132,634,241, C>A on the plus strand (G>T on the coding strand, the complement: POLE is on the minus strand). VCF-style: chr12-132634241-C-A. GRCh37 (hg19) VCF-style: chr12-133210827-C-A.
Other names: c.5949G>T (NM_006231.2); short protein forms L1983F.
Identifiers: ClinVar variation 961471 (VCV000961471.2), dbSNP rs2041990225, ClinGen allele CA387371524.

ClinVar aggregate classification (germline): Uncertain significance. Review status: criteria provided, multiple submitters, no conflicts (2 of 4 stars). 2 submissions from 2 submitters: Uncertain significance (2). Last evaluated 2023-12-02.

Conditions:
Hereditary cancer-predisposing syndrome. Also called: Tumor predisposition; Hereditary neoplastic syndrome; Hereditary Cancer Syndrome; Neoplastic Syndromes, Hereditary. Identifiers: Orphanet 140162, MedGen C0027672, MeSH D009386, MONDO:0015356.
Colorectal cancer, susceptibility to, 12 (CRCS12). Also called: COLORECTAL CANCER, SUSCEPTIBILITY TO, ON CHROMOSOME 12q24. Identifiers: Orphanet 220460, MedGen C3554460, MONDO:0014038, OMIM 615083.

Submissions (2):

Ambry Genetics
Classification: Uncertain significance for Hereditary cancer-predisposing syndrome. Last evaluated: 2023-12-02. Review status: criteria provided, single submitter. Criteria: Ambry Variant Classification Scheme 2023. Collection method: clinical testing. Allele origin: germline.
Comment: The p.L1983F variant (also known as c.5949G>T), located in coding exon 43 of the POLE gene, results from a G to T substitution at nucleotide position 5949. The leucine at codon 1983 is replaced by phenylalanine, an amino acid with highly similar properties. This amino acid position is conserved. In addition, this alteration is predicted to be tolerated by in silico analysis. Since supporting evidence is limited at this time, the clinical significance of this alteration remains unclear.

Labcorp Genetics (formerly Invitae), Labcorp
Classification: Uncertain significance for Colorectal cancer, susceptibility to, 12. Last evaluated: 2019-11-15. Review status: criteria provided, single submitter. Criteria: Invitae Variant Classification Sherloc (09022015). Collection method: clinical testing. Allele origin: germline.
Comment: This sequence change replaces leucine with phenylalanine at codon 1983 of the POLE protein (p.Leu1983Phe). The leucine residue is weakly conserved and there is a small physicochemical difference between leucine and phenylalanine. This variant is not present in population databases (ExAC no frequency). This variant has not been reported in the literature in individuals with POLE-related conditions. Algorithms developed to predict the effect of missense changes on protein structure and function (SIFT, PolyPhen-2, Align-GVGD) all suggest that this variant is likely to be tolerated, but these predictions have not been confirmed by published functional studies and their clinical significance is uncertain. In summary, the available evidence is currently insufficient to determine the role of this variant in disease. Therefore, it has been classified as a Variant of Uncertain Significance.